The following is an entry in ClinVar:

NM_001367721.1(CASK):c.2521-11del

Gene: CASK (calcium/calmodulin dependent serine protein kinase; minus strand). Cytogenetic location: Xp11.4.
Variant type: Deletion.
Coding change: c.2521-11del on transcript NM_001367721.1 (MANE Select); 11 bases into the intron before coding-DNA position 2521, one base deleted (T; older notation c.2521-11delT).
Molecular consequence: intron variant.
Genome position (GRCh38, 1-based): chrX:41,524,045, A deleted on the plus strand (T on the coding strand, the reverse complement: CASK is on the minus strand); the first of 14 consecutive A bases (chrX:41,524,045-41,524,058); deleting any one gives the same sequence. VCF-style (leftmost placement, unchanged base first): chrX-41524044-GA-G. GRCh37 (hg19) VCF-style: chrX-41383297-GA-G.
Other names: NC_000023.10:g.41383311del; p.?; c.2434-11del (NM_001126055.3); c.2503-11del (NM_001410745.1); c.2437-11del (NM_001126054.3); c.2506-11del (NM_003688.4, NM_003688.3); c.2506-11delT (NM_003688.4); c.2521-24del (NM_001367721.1).
Identifiers: ClinVar variation 3068646 (VCV003068646.3), dbSNP rs199560653, ClinGen allele CA10389993.

ClinVar aggregate classification (germline): Benign. Review status: criteria provided, multiple submitters, no conflicts (2 of 4 stars). 2 submissions from 2 submitters: Benign (2). Last evaluated 2023-05-04.

Conditions:
FG syndrome (FGS). Identifiers: MedGen C0220769, MONDO:0002010.

Submissions (8):

Molecular Genetics, Royal Melbourne Hospital
Classification: Benign for FG syndrome. Last evaluated: 2023-05-04. Review status: criteria provided, single submitter. Criteria: ACMG Guidelines, 2015. Collection method: clinical testing. Allele origin: germline. Affected: yes.
Comment: Latino/Admixed population allele frequency is 23.28% (rs200525472, 1943/8315 alleles, 0 homozygotes in gnomAD v2.1). Based on the classification scheme RMH Modified ACMG/AMP Guidelines v1.1.0, this variant is classified as BENIGN. Following criteria are met: BA1

Mayo Clinic Laboratories, Mayo Clinic
Classification: Benign. Last evaluated: 2022-07-28. Review status: criteria provided, single submitter. Criteria: ACMG Guidelines, 2015. Collection method: clinical testing. Allele origin: germline. Observed: 71 variant alleles.
Comment: BA1, BP4

Dr. Peter K. Rogan Lab, Western University
No classification provided (evidence only). Condition: Familial cancer of breast. Review status: no classification provided. Collection method: in vitro. Allele origin: not applicable. Functional consequence: retained intron. Not counted in ClinVar's aggregate classification.

Dr. Peter K. Rogan Lab, Western University
No classification provided (evidence only). Condition: Cholangiocarcinoma. Review status: no classification provided. Collection method: in vitro. Allele origin: not applicable. Functional consequence: retained intron. Not counted in ClinVar's aggregate classification.

Dr. Peter K. Rogan Lab, Western University
No classification provided (evidence only). Condition: Cholangiocarcinoma. Review status: no classification provided. Collection method: in vitro. Allele origin: not applicable. Functional consequence: retained intron. Not counted in ClinVar's aggregate classification.

Dr. Peter K. Rogan Lab, Western University
No classification provided (evidence only). Condition: Malignant lymphoma, large B-cell, diffuse. Review status: no classification provided. Collection method: in vitro. Allele origin: not applicable. Functional consequence: retained intron. Not counted in ClinVar's aggregate classification.

Dr. Peter K. Rogan Lab, Western University
No classification provided (evidence only). Condition: Familial cancer of breast. Review status: no classification provided. Collection method: in vitro. Allele origin: not applicable. Functional consequence: retained intron. Not counted in ClinVar's aggregate classification.

Dr. Peter K. Rogan Lab, Western University
No classification provided (evidence only). Condition: Uterine corpus endometrial carcinoma. Review status: no classification provided. Collection method: in vitro. Allele origin: not applicable. Functional consequence: retained intron. Not counted in ClinVar's aggregate classification.